The following is an entry in ClinVar:

NM_001723.7(DST):c.7319C>G (p.Pro2440Arg)

Gene: DST (dystonin; minus strand). Cytogenetic location: 6p12.1.
Variant type: single nucleotide variant.
Coding change: c.7319C>G on transcript NM_001723.7 (MANE Plus Clinical); coding-DNA position 7319, C replaced by G.
Protein change: p.Pro2440Arg; replaces proline 2440 with arginine.
Molecular consequence: missense variant. On other transcripts: intron variant (10).
Genome position (GRCh38, 1-based): chr6:56,616,148, G>C on the plus strand (C>G on the coding strand, the complement: DST is on the minus strand). VCF-style: chr6-56616148-G-C. GRCh37 (hg19) VCF-style: chr6-56480946-G-C.
Other names: c.4831-1664C>G (NM_001144769.5); c.4930-1664C>G (NM_001374722.1, NM_001374736.1); c.4957-1664C>G (NM_001374734.1); c.4417-1664C>G (NM_001144770.2); c.4297-1664C>G (NM_001374730.1, NM_001386100.1, NM_183380.4 and 1 more transcripts); c.3319-1664C>G (NM_015548.5); short protein forms P2440R.
Identifiers: ClinVar variation 1009963 (VCV001009963.11), dbSNP rs2098615895, ClinGen allele CA364563246.

ClinVar aggregate classification (germline): Uncertain significance (1 of 4 stars; one submission).

Conditions:
Epidermolysis bullosa simplex 3, localized or generalized intermediate, with BP230 deficiency (EBS3). Also called: Epidermolysis bullosa simplex due to BP230 deficiency; Epidermolysis bullosa simplex, autosomal recessive 2. Identifiers: Orphanet 412181, MedGen C3809470, MONDO:0014180, OMIM 615425.
Hereditary sensory and autonomic neuropathy type 6. Also called: HSAN VI; Neuropathy, hereditary sensory and autonomic, type VI. Identifiers: Orphanet 314381, MedGen C3539003, MONDO:0013839, OMIM 614653.

Submission:

Labcorp Genetics (formerly Invitae), Labcorp
Classification: Uncertain significance for Epidermolysis bullosa simplex 3, localized or generalized intermediate, with BP230 deficiency; Hereditary sensory and autonomic neuropathy type 6. Last evaluated: 2020-10-09. Review status: criteria provided, single submitter. Criteria: Invitae Variant Classification Sherloc (09022015). Collection method: clinical testing. Allele origin: germline.
Comment: In summary, the available evidence is currently insufficient to determine the role of this variant in disease. Therefore, it has been classified as a Variant of Uncertain Significance. Algorithms developed to predict the effect of missense changes on protein structure and function (SIFT, PolyPhen-2, Align-GVGD) all suggest that this variant is likely to be disruptive, but these predictions have not been confirmed by published functional studies and their clinical significance is uncertain. This variant has not been reported in the literature in individuals with DST-related conditions. This variant is not present in population databases (ExAC no frequency). This sequence change replaces proline with arginine at codon 2440 of the DST protein (p.Pro2440Arg). The proline residue is highly conserved and there is a moderate physicochemical difference between proline and arginine.